The following is an entry in ClinVar:

NM_001042545.2(LTBP4):c.4425C>T (p.Gly1475=)

Gene: LTBP4 (latent transforming growth factor beta binding protein 4; plus strand). Cytogenetic location: 19q13.2.
Variant type: single nucleotide variant.
Coding change: c.4425C>T on transcript NM_001042545.2 (MANE Select); coding-DNA position 4425, C replaced by T.
Protein change: p.Gly1475=; no amino-acid change (glycine 1475 retained).
Molecular consequence: synonymous variant.
Genome position (GRCh38, 1-based): chr19:40,627,763, C>T. VCF-style: chr19-40627763-C-T. GRCh37 (hg19) VCF-style: chr19-41133668-C-T.
Other names: c.4626C>T, p.Gly1542= (NM_001042544.1); c.4515C>T, p.Gly1505= (NM_003573.2).
Identifiers: ClinVar variation 513764 (VCV000513764.43), dbSNP rs774981506, ClinGen allele CA9449319.
Genomic context (GRCh38, chr19:40,627,763, plus strand): 5'-AGGTTCCCTGGCTGAGCCCTACGAGGAGCTGGAGGCGGAGGAGTGCGGGATCCTGGACGG[C>T]TGCACCAACGGCCGCTGCGTGCGCGTCCCCGAAGGCTTCACCTGCCGTTGCTTCGACGGC-3'
Protein context (NP_001036010.1, residues 1465-1485): LEAEECGILD[Gly1475=]CTNGRCVRVP

ClinVar aggregate classification (germline): Likely benign. Review status: criteria provided, multiple submitters, no conflicts (2 of 4 stars). 3 submissions from 3 submitters: Likely benign (3). Last evaluated 2024-07-22.

Allele frequency attached by ClinVar (database versions not stated): gnomAD exomes below 0.00001; gnomAD 0.00001; TOPMed 0.00001; ExAC 0.00002.

Submissions (3):

Labcorp Genetics (formerly Invitae), Labcorp
Classification: Likely benign. Last evaluated: 2024-07-22. Review status: criteria provided, single submitter. Criteria: Invitae Variant Classification Sherloc (09022015). Collection method: clinical testing. Allele origin: germline.

CeGaT Center for Human Genetics Tuebingen
Classification: Likely benign. Last evaluated: 2020-04-01. Review status: criteria provided, single submitter. Criteria: CeGaT Center For Human Genetics Tuebingen Variant Classification Criteria Version 2. Collection method: clinical testing. Allele origin: germline. Affected: yes. Observed: 1 variant allele.

GeneDx
Classification: Likely benign. Last evaluated: 2017-11-30. Review status: criteria provided, single submitter. Criteria: GeneDx Variant Classification (06012015). Collection method: clinical testing. Allele origin: germline. Affected: yes.
Comment: This variant is considered likely benign or benign based on one or more of the following criteria: it is a conservative change, it occurs at a poorly conserved position in the protein, it is predicted to be benign by multiple in silico algorithms, and/or has population frequency not consistent with disease.